The following is an entry in ClinVar:

NM_001035.3(RYR2):c.3924C>T (p.Ile1308=)

Genes: RYR2 (ryanodine receptor 2; plus strand), LOC126806067 (BRD4-independent group 4 enhancer GRCh37_chr1:237753258-237754457; plus strand). Cytogenetic location: 1q43.
Variant type: single nucleotide variant.
Coding change: c.3924C>T on transcript NM_001035.3 (MANE Select); coding-DNA position 3924, C replaced by T.
Protein change: p.Ile1308=; no amino-acid change (isoleucine 1308 retained).
Molecular consequence: synonymous variant.
Genome position (GRCh38, 1-based): chr1:237,590,756, C>T. VCF-style: chr1-237590756-C-T. GRCh37 (hg19) VCF-style: chr1-237754056-C-T.
Identifiers: ClinVar variation 699211 (VCV000699211.17), dbSNP rs761010650, ClinGen allele CA086500.

ClinVar aggregate classification (germline): Likely benign. Review status: criteria provided, multiple submitters, no conflicts (2 of 4 stars). 4 submissions from 4 submitters: Likely benign (4). Last evaluated 2025-09-15.

Conditions:
Catecholaminergic polymorphic ventricular tachycardia (CVPT). Also called: Catecholamine-induced polymorphic ventricular tachycardia. Identifiers: Orphanet 3286, MedGen C5574922, MONDO:0017990.
Cardiovascular phenotype. Identifiers: MedGen CN230736.
Cardiomyopathy (CMYO). Also called: Cardiomyopathies. Identifiers: Orphanet 167848, MedGen C0878544, MONDO:0004994, HP:0001638. Inheritance: Various modes of inheritance.
Catecholaminergic polymorphic ventricular tachycardia 1. Also called: VENTRICULAR TACHYCARDIA, CATECHOLAMINERGIC POLYMORPHIC, 1, WITH OR WITHOUT ATRIAL DYSFUNCTION AND/OR DILATED CARDIOMYOPATHY; VENTRICULAR TACHYCARDIA, STRESS-INDUCED POLYMORPHIC 1; RYR2-Related Catecholaminergic Polymorphic Ventricular Tachycardia. Identifiers: Orphanet 3286, MedGen C1631597, MONDO:0011484, OMIM 604772.

Allele frequency attached by ClinVar (database versions not stated): gnomAD exomes below 0.00001 and 0.00001; ExAC 0.00001; gnomAD 0.00001; TOPMed 0.00003.
gnomAD v4.1: 10 of 1,613,620 alleles (0.00062%); highest among the groups gnomAD compares: African/African-American, 0.011%; no homozygotes.

Submissions (4):

Labcorp Genetics (formerly Invitae), Labcorp
Classification: Likely benign for Catecholaminergic polymorphic ventricular tachycardia 1. Last evaluated: 2025-09-15. Review status: criteria provided, single submitter. Criteria: Invitae Variant Classification Sherloc (09022015). Collection method: clinical testing. Allele origin: germline.

All of Us Research Program, National Institutes of Health
Classification: Likely benign for Catecholaminergic polymorphic ventricular tachycardia. Last evaluated: 2023-12-18. Review status: criteria provided, single submitter. Criteria: ACMG Guidelines, 2015. Collection method: clinical testing. Allele origin: germline. Inheritance: Autosomal dominant inheritance. Observed: 8 variant alleles, 8 heterozygotes.
Comment: This study involves interpretation of variants in research participants for the purpose of population health screening. Participant phenotype was not available at the time of variant classification. Additional details can be found in publication PMID: 35346344, PMCID: PMC8962531

Ambry Genetics
Classification: Likely benign for Cardiovascular phenotype. Last evaluated: 2020-01-30. Review status: criteria provided, single submitter. Criteria: Ambry Variant Classification Scheme 2023. Collection method: clinical testing. Allele origin: germline.

Color Diagnostics, LLC DBA Color Health
Classification: Likely benign for Cardiomyopathy. Last evaluated: 2020-01-28. Review status: criteria provided, single submitter. Criteria: ACMG Guidelines, 2015. Collection method: clinical testing. Allele origin: germline.